The following is an entry in ClinVar:

NM_004990.4(MARS1):c.1436A>G (p.Gln479Arg)

Gene: MARS1 (methionyl-tRNA synthetase 1; plus strand). Cytogenetic location: 12q13.3.
Variant type: single nucleotide variant.
Coding change: c.1436A>G on transcript NM_004990.4 (MANE Select); coding-DNA position 1436, A replaced by G.
Protein change: p.Gln479Arg; replaces glutamine 479 with arginine.
Molecular consequence: missense variant.
Genome position (GRCh38, 1-based): chr12:57,511,765, A>G. VCF-style: chr12-57511765-A-G. GRCh37 (hg19) VCF-style: chr12-57905548-A-G.
Other names: short protein forms Q479R.
Identifiers: ClinVar variation 2923823 (VCV002923823.3), dbSNP rs749677919, ClinGen allele CA385461325.

ClinVar aggregate classification (germline): Uncertain significance (1 of 4 stars; one submission).

Conditions:
Severe early-onset pulmonary alveolar proteinosis due to MARS deficiency. Also called: PULMONARY ALVEOLAR PROTEINOSIS, REUNION ISLAND; Interstitial lung and liver disease. Identifiers: Orphanet 440427, MedGen C4225400, MONDO:0014206, OMIM 615486.
Charcot-Marie-Tooth disease axonal type 2U. Also called: CHARCOT-MARIE-TOOTH NEUROPATHY, TYPE 2U; CHARCOT-MARIE-TOOTH DISEASE, AXONAL, AUTOSOMAL DOMINANT, TYPE 2U. Identifiers: Orphanet 397735, MedGen C4084821, MONDO:0014566, OMIM 616280.

Allele frequency attached by ClinVar (database versions not stated): gnomAD exomes 0.00001.

Submission:

Labcorp Genetics (formerly Invitae), Labcorp
Classification: Uncertain significance for Charcot-Marie-Tooth disease axonal type 2U; Severe early-onset pulmonary alveolar proteinosis due to MARS deficiency. Last evaluated: 2023-01-10. Review status: criteria provided, single submitter. Criteria: Invitae Variant Classification Sherloc (09022015). Collection method: clinical testing. Allele origin: germline.
Comment: In summary, the available evidence is currently insufficient to determine the role of this variant in disease. Therefore, it has been classified as a Variant of Uncertain Significance. Algorithms developed to predict the effect of missense changes on protein structure and function output the following: SIFT: "Tolerated"; PolyPhen-2: "Benign"; Align-GVGD: "Class C0". The arginine amino acid residue is found in multiple mammalian species, which suggests that this missense change does not adversely affect protein function. This variant has not been reported in the literature in individuals affected with MARS-related conditions. This variant is not present in population databases (gnomAD no frequency). This sequence change replaces glutamine, which is neutral and polar, with arginine, which is basic and polar, at codon 479 of the MARS protein (p.Gln479Arg).